The following is an entry in ClinVar:

ClinVar aggregate classification (germline): Benign (0 of 4 stars; one submission).

Conditions:
REV3L-related disorder. Also called: REV3L-related condition.

Allele frequency attached by ClinVar (database versions not stated): gnomAD exomes 0.00328; ExAC 0.01134; gnomAD 0.03610; ESP Exome Variant Server 0.03906; TOPMed 0.04014; 1000 Genomes Project 0.04073; 1000 Genomes Project 30x 0.04325.
gnomAD v4.1: 10,500 of 1,614,000 alleles (0.65%); highest among the groups gnomAD compares: African/African-American, 12%; 600 homozygotes.

Submission:

PreventionGenetics, part of Exact Sciences
Classification: Benign for REV3L-related condition. Last evaluated: 2019-06-06. Review status: no assertion criteria provided. Collection method: clinical testing. Allele origin: germline.
Comment: This variant is classified as benign based on ACMG/AMP sequence variant interpretation guidelines (Richards et al. 2015 PMID: 25741868, with internal and published modifications).

NM_001372078.1(REV3L):c.5371C>T (p.Pro1791Ser)

Gene: REV3L (REV3 like, DNA directed polymerase zeta catalytic subunit; minus strand). Cytogenetic location: 6q21.
Variant type: single nucleotide variant.
Coding change: c.5371C>T on transcript NM_001372078.1 (MANE Select); coding-DNA position 5371, C replaced by T.
Protein change: p.Pro1791Ser; replaces proline 1791 with serine.
Molecular consequence: missense variant.
Genome position (GRCh38, 1-based): chr6:111,372,984, G>A on the plus strand (C>T on the coding strand, the complement: REV3L is on the minus strand). VCF-style: chr6-111372984-G-A. GRCh37 (hg19) VCF-style: chr6-111694187-G-A.
Other names: c.5137C>T, p.Pro1713Ser (NM_001286431.2, NM_001286432.2); c.5371C>T, p.Pro1791Ser (NM_002912.5); short protein forms P1713S, P1791S.
Identifiers: ClinVar variation 3037738 (VCV003037738.2), dbSNP rs17539651, ClinGen allele CA3961868.
Genomic context (GRCh38, chr6:111,372,984, plus strand): 5'-GAGACTGTCCCATTTCTTTTCTGGTGTGACCTTGAATCCAGTCTGAATTGTTTGGCTGTG[G>A]GAGGCTAAGAAACACTTCTTTGCTTACTGAACTCCTATTCAATCTAGATTTTTCACTTAG-3'
Protein context (NP_001359007.1, residues 1781-1801): SVSKEVFLSL[Pro1791Ser]QPNNSDWIQG